The following is an entry in ClinVar:

NM_002693.3(POLG):c.855+1G>C

Gene: POLG (DNA polymerase gamma, catalytic subunit; minus strand). Cytogenetic location: 15q26.1.
Variant type: single nucleotide variant.
Coding change: c.855+1G>C on transcript NM_002693.3 (MANE Select); the canonical splice donor site of the intron after coding-DNA position 855, G replaced by C.
Molecular consequence: splice donor variant.
Genome position (GRCh38, 1-based): chr15:89,330,080, C>G on the plus strand (G>C on the coding strand, the complement: POLG is on the minus strand). VCF-style: chr15-89330080-C-G. GRCh37 (hg19) VCF-style: chr15-89873311-C-G.
Other names: c.855+1G>C (NM_001126131.2).
Identifiers: ClinVar variation 3240175 (VCV003240175.2), dbSNP rs2509264996.
Genomic context (GRCh38, chr15:89,330,080, plus strand): 5'-TGAGATTAGGGCTCCTGGCCCATCCCATGCCAGAACCTGCAGTTGGCCCCAGGAACCTTA[C>G]CTGGATCAGGTACTGCTCCCTGATATGAGCTCGGTCAAAGGAAACATTGTGCCCCACCAC-3'

ClinVar aggregate classification (germline): Likely pathogenic. Review status: criteria provided, multiple submitters, no conflicts (2 of 4 stars). 2 submissions from 2 submitters: Likely pathogenic (2). Last evaluated 2025-06-10.

Conditions:
POLG-related disorder. Also called: POLG-Related Spectrum Disorders; POLG-related condition; POLG-Related Disorders. Identifiers: MedGen C4763519.
Progressive sclerosing poliodystrophy (MTDPS4A). Also called: ALPERS PROGRESSIVE INFANTILE POLIODYSTROPHY; NEURONAL DEGENERATION OF CHILDHOOD WITH LIVER DISEASE, PROGRESSIVE; Mitochondrial DNA Depletion Syndrome 4A; Alpers-Huttenlocher Syndrome (AHS); Alpers Syndrome; ALPERS DIFFUSE DEGENERATION OF CEREBRAL GRAY MATTER WITH HEPATIC CIRRHOSIS. Identifiers: Orphanet 726, MedGen C0205710, MONDO:0008758, OMIM 203700.

Allele frequency attached by ClinVar (database versions not stated): gnomAD exomes below 0.00001.
gnomAD v4.1: 1 of 1,613,768 alleles (0.000062%); highest among the groups gnomAD compares: Non-Finnish European, 0.000085%; no homozygotes.

Submissions (2):

Women's Health and Genetics/Laboratory Corporation of America, LabCorp
Classification: Likely pathogenic for POLG-related disorder. Last evaluated: 2025-06-10. Review status: criteria provided, single submitter. Criteria: LabCorp Variant Classification Summary - May 2015. Collection method: clinical testing. Allele origin: germline.
Comment: Variant summary: POLG c.855+1G>C is located in a canonical splice-site and is predicted to affect mRNA splicing resulting in a significantly altered protein due to either exon skipping, shortening, or inclusion of intronic material. Variants that disrupt the consensus splice site are a relatively common cause of aberrant splicing and loss of POLG function. Several computational tools predict a significant impact on normal splicing: Four predict the variant abolishes a canonical 5' splicing donor site. However, these predictions have yet to be confirmed by functional studies. The variant was absent in 250942 control chromosomes. To our knowledge, no occurrence of c.855+1G>C in individuals affected with POLG-Related Spectrum Disorders and no experimental evidence demonstrating its impact on protein function have been reported. ClinVar contains an entry for this variant (Variation ID: 3240175). Based on the evidence outlined above, the variant was classified as likely pathogenic.

Baylor Genetics
Classification: Likely pathogenic for Progressive sclerosing poliodystrophy. Last evaluated: 2023-12-30. Review status: criteria provided, single submitter. Criteria: ACMG Guidelines, 2015. Collection method: clinical testing. Allele origin: unknown.